The following is an entry in ClinVar:

NM_001379029.1(CERT1):c.-300A>G

Genes: CERT1 (ceramide transporter 1; minus strand), POLK (DNA polymerase kappa; plus strand). Cytogenetic location: 5q13.3.
Variant type: single nucleotide variant.
Coding change: c.-300A>G on transcript NM_001379029.1 (MANE Select); 300 bases upstream of the start codon, A replaced by G.
Molecular consequence: 5 prime UTR variant. On other transcripts: splice acceptor variant (1).
Genome position (GRCh38, 1-based): chr5:75,511,507, T>C on the plus strand (A>G on the coding strand, the complement: CERT1 is on the minus strand). VCF-style: chr5-75511507-T-C. GRCh37 (hg19) VCF-style: chr5-74807332-T-C.
Other names: c.-300A>G (NM_001379002.1, NM_001379003.1, NM_001379004.1 and 2 more transcripts); c.87-2A>G (NM_001130105.1).
Identifiers: ClinVar variation 4881084 (VCV004881084.2).

ClinVar aggregate classification (germline): Uncertain significance (1 of 4 stars; one submission).

Conditions:
Intellectual disability, autosomal dominant 34 (NEDHSF). Also called: NEURODEVELOPMENTAL DISORDER WITH HYPOTONIA, SPEECH DELAY, AND DYSMORPHIC FACIES; CERTRA SYNDROME; INTELLECTUAL DEVELOPMENTAL DISORDER, AUTOSOMAL DOMINANT 34; Ceramide Transporter Syndrome. Identifiers: MedGen C4225156, MONDO:0014599, OMIM 616351.

Submission:

Dasa
Classification: Uncertain significance for Intellectual disability, autosomal dominant 34. Last evaluated: 2025-12-30. Review status: criteria provided, single submitter. Criteria: DASA Assertion Criteria. Collection method: clinical testing. Allele origin: germline.
Comment: NM_001130105.1(CERT1):c.87-2A>G affects a canonical splice site and is predicted to disrupt normal RNA splicing. This variant is rare in population databases. The currently available literature and clinical evidence are not sufficient to establish a definitive association between this variant and the reported condition. Therefore, this variant is classified as a variant of uncertain significance.